The following is an entry in ClinVar:

ClinVar aggregate classification (germline): Uncertain significance. Review status: criteria provided, multiple submitters, no conflicts (2 of 4 stars). 2 submissions from 2 submitters: Uncertain significance (2). Last evaluated 2025-04-03.

Conditions:
Inborn genetic diseases. Identifiers: MedGen C0950123, MeSH D030342.

Allele frequency attached by ClinVar (database versions not stated): gnomAD 0.00001; TOPMed 0.00001.
gnomAD v4.1: 12 of 1,614,026 alleles (0.00074%); highest among the groups gnomAD compares: African/African-American, 0.0013%; no homozygotes.

Submissions (2):

Ambry Genetics
Classification: Uncertain significance for Inborn genetic diseases. Last evaluated: 2025-04-03. Review status: criteria provided, single submitter. Criteria: Ambry Variant Classification Scheme 2023. Collection method: clinical testing. Allele origin: germline.

Labcorp Genetics (formerly Invitae), Labcorp
Classification: Uncertain significance. Last evaluated: 2022-03-12. Review status: criteria provided, single submitter. Criteria: Invitae Variant Classification Sherloc (09022015). Collection method: clinical testing. Allele origin: germline.
Comment: This sequence change replaces glutamine, which is neutral and polar, with lysine, which is basic and polar, at codon 487 of the DNAH9 protein (p.Gln487Lys). This variant is present in population databases (no rsID available, gnomAD 0.01%). This variant has not been reported in the literature in individuals affected with DNAH9-related conditions. Algorithms developed to predict the effect of missense changes on protein structure and function (SIFT, PolyPhen-2, Align-GVGD) all suggest that this variant is likely to be tolerated. In summary, the available evidence is currently insufficient to determine the role of this variant in disease. Therefore, it has been classified as a Variant of Uncertain Significance.

NM_001372.4(DNAH9):c.1459C>A (p.Gln487Lys)

Gene: DNAH9 (dynein axonemal heavy chain 9; plus strand). Cytogenetic location: 17p12.
Variant type: single nucleotide variant.
Coding change: c.1459C>A on transcript NM_001372.4 (MANE Select); coding-DNA position 1459, C replaced by A.
Protein change: p.Gln487Lys; replaces glutamine 487 with lysine.
Molecular consequence: missense variant.
Genome position (GRCh38, 1-based): chr17:11,629,525, C>A. VCF-style: chr17-11629525-C-A. GRCh37 (hg19) VCF-style: chr17-11532842-C-A.
Other names: c.1459C>A (NM_001372.3); short protein forms Q487K.
Identifiers: ClinVar variation 1928689 (VCV001928689.3), dbSNP rs1296056299, ClinGen allele CA398173566.